The following is an entry in ClinVar:

ClinVar aggregate classification (germline): Uncertain significance. Review status: criteria provided, multiple submitters, no conflicts (2 of 4 stars). 2 submissions from 2 submitters: Uncertain significance (2). Last evaluated 2026-01-01.

Conditions:
Developmental delay with or without dysmorphic facies and autism. Identifiers: MedGen C5193106, MONDO:0032760, OMIM 618454.

gnomAD v4.1: 7 of 1,614,014 alleles (0.00043%); highest among the groups gnomAD compares: Non-Finnish European, 0.00051%; no homozygotes.

Submissions (2):

Diagnostics Services (NGS), CSIR - Centre For Cellular And Molecular Biology
Classification: Uncertain significance for Developmental delay with or without dysmorphic facies and autism. Last evaluated: 2026-01-01. Review status: criteria provided, single submitter. Criteria: ACMG Guidelines, 2015. Collection method: clinical testing. Allele origin: germline. Observed: 1 variant allele, 1 heterozygote.
Comment: The c.11311C>T variant is not present in publicly available population databases like 1000 Genomes, EVS, gnomAD, Indian Exome Database and our internal database. This variant has neither been published in literature in individuals affected with TRRAP-related conditions nor reported to clinical databases like Human Genome Mutation Database (HGMD), ClinVar, or OMIM, in any affected individuals. In-silico pathogenicity prediction programs like SIFT, Polyphen-2, MutationTaster2021, CADD, etc predicted this variant to be likely deleterious however these predictions were not confirmed by published functional studies. An alternative variant with a different amino acid change in the same codon (Arg3771Gln) has been previously observed in one individual affected with epileptic encephalopathy [PMID:23934111] and reported to the clinical databases.

Blueprint Genetics
Classification: Uncertain significance. Last evaluated: 2019-12-03. Review status: criteria provided, single submitter. Criteria: ACMG Guidelines, 2015. Collection method: clinical testing. Allele origin: germline.

Literature cited by the submitters: PubMed 23934111 (cited by Diagnostics Services (NGS), CSIR - Centre For Cellular And Molecular Biology).

NM_001375524.1(TRRAP):c.11311C>T (p.Arg3771Trp)

Gene: TRRAP (transformation/transcription domain associated protein; plus strand). Cytogenetic location: 7q22.1.
Variant type: single nucleotide variant.
Coding change: c.11311C>T on transcript NM_001375524.1 (MANE Select); coding-DNA position 11311, C replaced by T.
Protein change: p.Arg3771Trp; replaces arginine 3771 with tryptophan.
Molecular consequence: missense variant.
Genome position (GRCh38, 1-based): chr7:99,011,509, C>T. VCF-style: chr7-99011509-C-T. GRCh37 (hg19) VCF-style: chr7-98609132-C-T.
Other names: c.11182C>T, p.Arg3728Trp (NM_003496.4); c.11269C>T, p.Arg3757Trp (NM_001244580.2); short protein forms R3728W, R3757W, R3771W.
Identifiers: ClinVar variation 4849668 (VCV004849668.2).